The following is an entry in ClinVar:

NM_015338.6(ASXL1):c.2011G>T (p.Ala671Ser)

Gene: ASXL1 (ASXL transcriptional regulator 1; plus strand). Cytogenetic location: 20q11.21.
Variant type: single nucleotide variant.
Coding change: c.2011G>T on transcript NM_015338.6 (MANE Select); coding-DNA position 2011, G replaced by T.
Protein change: p.Ala671Ser; replaces alanine 671 with serine.
Molecular consequence: missense variant.
Genome position (GRCh38, 1-based): chr20:32,434,723, G>T. VCF-style: chr20-32434723-G-T. GRCh37 (hg19) VCF-style: chr20-31022526-G-T.
Other names: c.2011G>T (NM_015338.5); c.1828G>T, p.Ala610Ser (NM_001363734.1); short protein forms A610S, A671S.
Identifiers: ClinVar variation 1630087 (VCV001630087.33), dbSNP rs1600586513, ClinGen allele CA408558764.

ClinVar aggregate classification (germline): Conflicting classifications of pathogenicity. Review status: criteria provided, conflicting classifications (1 of 4 stars). 3 submissions from 3 submitters: Uncertain significance (2); Likely benign (1). Last evaluated 2025-12-07.

Conditions:
Inborn genetic diseases. Identifiers: MedGen C0950123, MeSH D030342.

Submissions (3):

Ambry Genetics
Classification: Uncertain significance for Inborn genetic diseases. Last evaluated: 2025-12-07. Review status: criteria provided, single submitter. Criteria: Ambry Variant Classification Scheme 2023. Collection method: clinical testing. Allele origin: germline.
Comment: The p.A671S variant (also known as c.2011G>T), located in coding exon 13 of the ASXL1 gene, results from a G to T substitution at nucleotide position 2011. The alanine at codon 671 is replaced by serine, an amino acid with similar properties. This amino acid position is conserved. In addition, this alteration is predicted to be tolerated by in silico analysis. Based on the available evidence, the clinical significance of this variant remains unclear.

Labcorp Genetics (formerly Invitae), Labcorp
Classification: Likely benign. Last evaluated: 2023-08-22. Review status: criteria provided, single submitter. Criteria: Invitae Variant Classification Sherloc (09022015). Collection method: clinical testing. Allele origin: germline.

CeGaT Center for Human Genetics Tuebingen
Classification: Uncertain significance. Last evaluated: 2022-11-01. Review status: criteria provided, single submitter. Criteria: CeGaT Center For Human Genetics Tuebingen Variant Classification Criteria Version 2. Collection method: clinical testing. Allele origin: germline. Affected: yes. Observed: 1 variant allele.
Comment: ASXL1: PM2, BP4